The following is an entry in ClinVar:

NM_024514.5(CYP2R1):c.41_50del (p.Leu14fs)

Genes: CYP2R1 (cytochrome P450 family 2 subfamily R member 1; minus strand), PDE3B (phosphodiesterase 3B; plus strand). Cytogenetic location: 11p15.2.
Variant type: Deletion.
Coding change: c.41_50del on transcript NM_024514.5 (MANE Select); coding-DNA positions 41 to 50, 10 bases deleted (TCGGCGGCGC; older notation c.41_50delTCGGCGGCGC).
Protein change: p.Leu14fs; shifts the reading frame from leucine 14.
Molecular consequence: frameshift variant. On other transcripts: intron variant (3).
Genome position (GRCh38, 1-based): chr11:14,892,156-14,892,165, GCGCCGCCGA deleted on the plus strand (TCGGCGGCGC on the coding strand, the reverse complement: CYP2R1 is on the minus strand); deleting any 10 consecutive bases within chr11:14,892,156-14,892,174 gives the same sequence; the c. name uses the placement nearest the transcript's 3' end. VCF-style (leftmost placement, unchanged base first): chr11-14892155-CGCGCCGCCGA-C. GRCh37 (hg19) VCF-style: chr11-14913701-CGCGCCGCCGA-C.
Other names: c.2887-6780_2887-6771del (NM_001429700.1); c.2887-6791_2887-6782del (NM_001429699.1); c.-121+200_-121+209del (NM_001400558.1); short protein forms L14fs.
Identifiers: ClinVar variation 3690028 (VCV003690028.2).

ClinVar aggregate classification (germline): Pathogenic (1 of 4 stars; one submission).

Submission:

Labcorp Genetics (formerly Invitae), Labcorp
Classification: Pathogenic. Last evaluated: 2024-08-09. Review status: criteria provided, single submitter. Criteria: Invitae Variant Classification Sherloc (09022015). Collection method: clinical testing. Allele origin: germline.
Comment: This sequence change creates a premature translational stop signal (p.Leu14Argfs*9) in the CYP2R1 gene. It is expected to result in an absent or disrupted protein product. Loss-of-function variants in CYP2R1 are known to be pathogenic (PMID: 15128933, 22855339, 25942481, 33715104). This variant is not present in population databases (gnomAD no frequency). This variant has not been reported in the literature in individuals affected with CYP2R1-related conditions. For these reasons, this variant has been classified as Pathogenic.

Literature cited by the submitters: PubMed 15128933; PubMed 22855339; PubMed 25942481; PubMed 33715104.